The following is an entry in ClinVar:

NM_001846.4(COL4A2):c.3543G>A (p.Pro1181=)

Gene: COL4A2 (collagen type IV alpha 2 chain; plus strand). Cytogenetic location: 13q34.
Variant type: single nucleotide variant.
Coding change: c.3543G>A on transcript NM_001846.4 (MANE Select); coding-DNA position 3543, G replaced by A.
Protein change: p.Pro1181=; no amino-acid change (proline 1181 retained).
Molecular consequence: synonymous variant.
Genome position (GRCh38, 1-based): chr13:110,492,158, G>A. VCF-style: chr13-110492158-G-A. GRCh37 (hg19) VCF-style: chr13-111144505-G-A.
Other names: c.3543G>A (NM_001846.3).
Identifiers: ClinVar variation 2997688 (VCV002997688.4), dbSNP rs906118382, ClinGen allele CA256293507.

ClinVar aggregate classification (germline): Likely benign. Review status: criteria provided, single submitter (1 of 4 stars). 2 submissions from 2 submitters: Likely benign (1). 1 of the submissions does not count toward it. Last evaluated 2024-04-10.

Conditions:
COL4A2-related disorder. Also called: COL4A2-related disorders; COL4A2-related condition.

Allele frequency attached by ClinVar (database versions not stated): gnomAD 0.00001; gnomAD exomes 0.00002; TOPMed 0.00002; 1000 Genomes Project 30x 0.00016.
gnomAD v4.1: 27 of 1,552,584 alleles (0.0017%); highest among the groups gnomAD compares: South Asian, 0.0024%; no homozygotes.

Submissions (2):

Labcorp Genetics (formerly Invitae), Labcorp
Classification: Likely benign. Last evaluated: 2024-04-10. Review status: criteria provided, single submitter. Criteria: Invitae Variant Classification Sherloc (09022015). Collection method: clinical testing. Allele origin: germline.

PreventionGenetics, part of Exact Sciences
Classification: Likely benign for COL4A2-related condition. Last evaluated: 2024-07-29. Review status: no assertion criteria provided. Collection method: clinical testing. Allele origin: germline. Not counted in ClinVar's aggregate classification.
Comment: This variant is classified as likely benign based on ACMG/AMP sequence variant interpretation guidelines (Richards et al. 2015 PMID: 25741868, with internal and published modifications).